The following is an entry in ClinVar:

ClinVar aggregate classification (germline): Uncertain significance. Review status: criteria provided, multiple submitters, no conflicts (2 of 4 stars). 6 submissions from 6 submitters: Uncertain significance (5). 1 of the submissions does not count toward it. Last evaluated 2024-09-15.

Conditions:
Primary hyperoxaluria, type II (HP2). Also called: Primary hyperoxaluria type 2; D-GLYCERATE DEHYDROGENASE DEFICIENCY; GLYCERIC ACIDURIA; GLYOXYLATE REDUCTASE/HYDROXYPYRUVATE REDUCTASE DEFICIENCY; OXALOSIS II. Identifiers: Orphanet 416, Orphanet 93599, MedGen C0268165, MONDO:0009824, OMIM 260000. Disease mechanism: loss of function.

Allele frequency attached by ClinVar (database versions not stated): ExAC 0.00021; gnomAD exomes 0.00028 and 0.00068; TOPMed 0.00028; 1000 Genomes Project 30x 0.00031; 1000 Genomes Project 0.00040; ESP Exome Variant Server 0.00054.

Submissions (6):

Blueprint Genetics
Classification: Uncertain significance. Last evaluated: 2024-09-15. Review status: criteria provided, single submitter. Criteria: ACMG Guidelines, 2015. Collection method: clinical testing. Allele origin: germline.

Fulgent Genetics
Classification: Uncertain significance for Primary hyperoxaluria, type II. Last evaluated: 2024-04-03. Review status: criteria provided, single submitter. Criteria: ACMG Guidelines, 2015. Collection method: clinical testing. Allele origin: germline.

Department of Pathology and Laboratory Medicine, Sinai Health System
Classification: Uncertain significance for Primary hyperoxaluria, type II. Last evaluated: 2022-08-11. Review status: criteria provided, single submitter. Criteria: ACMG Guidelines, 2015. Collection method: research. Allele origin: germline.

Labcorp Genetics (formerly Invitae), Labcorp
Classification: Uncertain significance. Last evaluated: 2022-02-14. Review status: criteria provided, single submitter. Criteria: Invitae Variant Classification Sherloc (09022015). Collection method: clinical testing. Allele origin: germline.
Comment: This sequence change replaces methionine, which is neutral and non-polar, with threonine, which is neutral and polar, at codon 234 of the GRHPR protein (p.Met234Thr). This variant is present in population databases (rs143596402, gnomAD 0.05%). This variant has not been reported in the literature in individuals affected with GRHPR-related conditions. ClinVar contains an entry for this variant (Variation ID: 913661). Algorithms developed to predict the effect of missense changes on protein structure and function (SIFT, PolyPhen-2, Align-GVGD) all suggest that this variant is likely to be disruptive. In summary, the available evidence is currently insufficient to determine the role of this variant in disease. Therefore, it has been classified as a Variant of Uncertain Significance.

Illumina Laboratory Services, Illumina
Classification: Uncertain significance for Primary hyperoxaluria, type II. Last evaluated: 2018-01-13. Review status: criteria provided, single submitter. Criteria: ICSL Variant Classification Criteria 13 December 2019. Collection method: clinical testing. Allele origin: germline.

Natera, Inc.
Classification: Uncertain significance for Primary hyperoxaluria type II. Last evaluated: 2020-01-19. Review status: no assertion criteria provided. Collection method: clinical testing. Allele origin: germline. Not counted in ClinVar's aggregate classification.

NM_012203.2(GRHPR):c.701T>C (p.Met234Thr)

Gene: GRHPR (glyoxylate and hydroxypyruvate reductase; plus strand). Cytogenetic location: 9p13.2.
Variant type: single nucleotide variant.
Coding change: c.701T>C on transcript NM_012203.2 (MANE Select); coding-DNA position 701, T replaced by C.
Protein change: p.Met234Thr; replaces methionine 234 with threonine.
Molecular consequence: missense variant.
Genome position (GRCh38, 1-based): chr9:37,430,613, T>C. VCF-style: chr9-37430613-T-C. GRCh37 (hg19) VCF-style: chr9-37430610-T-C.
Other names: short protein forms M234T.
Identifiers: ClinVar variation 913661 (VCV000913661.14), dbSNP rs143596402, ClinGen allele CA5059179.